The following continues an entry in ClinVar:

NM_032043.3(BRIP1):c.3464G>A (p.Gly1155Glu)

Gene: BRIP1. ClinVar aggregate classification (germline): Conflicting classifications of pathogenicity. Uncertain significance (10); Likely benign (1).

Submissions 12 to 13 of 13:

Genetic Services Laboratory, University of Chicago
Classification: Uncertain significance. Last evaluated: 2022-08-22. Review status: no assertion criteria provided. Collection method: clinical testing. Allele origin: germline. Affected: no. Not counted in ClinVar's aggregate classification.
Comment: DNA sequence analysis of the BRIP1 gene demonstrated a sequence change, c.3464G>A, in exon 20 that results in an amino acid change, p.Gly1155Glu. This sequence change has been reported in individual(s) affected with personal history of breast cancer (PMID: 17033622, 26921362, 26976419) and/or family history of breast and ovarian cancer (PMID: 16280053). This sequence change has been described in the gnomAD database in the European (non-Finnish) subpopulation in four individuals that corresponds to a population frequency of 0.0035% (dbSNP rs45603843). The p.Gly1155Glu change affects a poorly conserved amino acid residue located in a domain of the BRIP1 protein that is not known to be functional. The p.Gly1155Glu substitution appears to be benign using several in-silico pathogenicity prediction tools (SIFT, PolyPhen2, Align GVGD, REVEL). Due to insufficient evidences and the lack of functional studies, the clinical significance of the p.Gly1155Glu change remains unknown at this time.

Counsyl
Classification: Uncertain significance for Fanconi anemia complementation group J; Ovarian cancer. Last evaluated: 2017-06-01. Review status: no assertion criteria provided. Collection method: clinical testing. Allele origin: unknown. Not counted in ClinVar's aggregate classification.

Literature cited by the submitters: PubMed 16280053 (cited by 8 submitters); PubMed 17033622 (cited by 7 submitters); PubMed 26976419 (cited by 8 submitters); PubMed 27997549 (cited by Labcorp Genetics (formerly Invitae), Labcorp); PubMed 33471991 (cited by 3 submitters); PubMed 26921362 (cited by 5 submitters); PubMed 27153395 (cited by Sema4 and Counsyl).